The following is an entry in ClinVar:

NM_000069.3(CACNA1S):c.4544-11C>T

Gene: CACNA1S (calcium voltage-gated channel subunit alpha1 S; minus strand). Cytogenetic location: 1q32.1.
Variant type: single nucleotide variant.
Coding change: c.4544-11C>T on transcript NM_000069.3 (MANE Select); 11 bases into the intron before coding-DNA position 4544, C replaced by T.
Molecular consequence: intron variant.
Genome position (GRCh38, 1-based): chr1:201,047,250, G>A on the plus strand (C>T on the coding strand, the complement: CACNA1S is on the minus strand). VCF-style: chr1-201047250-G-A. GRCh37 (hg19) VCF-style: chr1-201016378-G-A.
Identifiers: ClinVar variation 3070049 (VCV003070049.2), dbSNP rs751759184, ClinGen allele CA083434.
Genomic context (GRCh38, chr1:201,047,250, plus strand): 5'-CTCCTGGATGAGGAATGTGGCGTAGAACTTCCCCACTGTCACCTCATCATCTGCAGAGGA[G>A]CCAACAAGAGATGCCCTGAAGGCTAGTGGGAATCTGACACTGGATTCAGAGTGGGAGCCA-3'

ClinVar aggregate classification (germline): Likely benign. Review status: criteria provided, multiple submitters, no conflicts (2 of 4 stars). 2 submissions from 2 submitters: Likely benign (2). Last evaluated 2025-02-09.

Conditions:
Hypokalemic periodic paralysis, type 1. Also called: Hypokalemic Periodic Paralysis Type 1 (AD); HypoPP. Identifiers: Orphanet 681, MedGen C3714580, MONDO:0042979, OMIM 170400.
Malignant hyperthermia, susceptibility to, 5 (MHS5). Also called: CACNA1S-Related Malignant Hyperthermia Susceptibility. Identifiers: Orphanet 423, MedGen C1866077, MONDO:0011163, OMIM 601887.

Allele frequency attached by ClinVar (database versions not stated): gnomAD exomes below 0.00001; ExAC 0.00002; gnomAD 0.00002.
gnomAD v4.1: 7 of 1,614,106 alleles (0.00043%); highest among the groups gnomAD compares: South Asian, 0.0022%; no homozygotes.

Submissions (2):

Labcorp Genetics (formerly Invitae), Labcorp
Classification: Likely benign for Hypokalemic periodic paralysis, type 1; Malignant hyperthermia, susceptibility to, 5. Last evaluated: 2025-02-09. Review status: criteria provided, single submitter. Criteria: Invitae Variant Classification Sherloc (09022015). Collection method: clinical testing. Allele origin: germline.

All of Us Research Program, National Institutes of Health
Classification: Likely benign for Malignant hyperthermia, susceptibility to, 5. Last evaluated: 2023-04-03. Review status: criteria provided, single submitter. Criteria: ACMG Guidelines, 2015. Collection method: clinical testing. Allele origin: germline. Inheritance: Autosomal dominant inheritance. Observed: 1 variant allele, 1 heterozygote.
Comment: This study involves interpretation of variants in research participants for the purpose of population health screening. Participant phenotype was not available at the time of variant classification. Additional details can be found in publication PMID: 35346344, PMCID: PMC8962531